The following is an entry in ClinVar:

NM_000080.4(CHRNE):c.1033-2A>G

Genes: CHRNE (cholinergic receptor nicotinic epsilon subunit; minus strand), LOC130060041 (ATAC-STARR-seq lymphoblastoid silent region 8050; plus strand). Cytogenetic location: 17p13.2.
Variant type: single nucleotide variant.
Coding change: c.1033-2A>G on transcript NM_000080.4 (MANE Select); the canonical splice acceptor site of the intron before coding-DNA position 1033, A replaced by G.
Molecular consequence: splice acceptor variant.
Genome position (GRCh38, 1-based): chr17:4,899,386, T>C on the plus strand (A>G on the coding strand, the complement: CHRNE is on the minus strand). VCF-style: chr17-4899386-T-C. GRCh37 (hg19) VCF-style: chr17-4802681-T-C.
Identifiers: ClinVar variation 5004771 (VCV005004771.1).

ClinVar aggregate classification (germline): Likely pathogenic (1 of 4 stars; one submission).

Conditions:
Congenital myasthenic syndrome (CMS). Also called: Congenital Myasthenic Syndromes. Identifiers: Orphanet 590, MedGen C0751882, MeSH D020294, MONDO:0018940.

Submission:

Myriad Genetics, Inc.
Classification: Likely pathogenic for Congenital myasthenic syndrome. Last evaluated: 2026-07-02. Review status: criteria provided, single submitter. Criteria: Myriad Autosomal Dominant, Autosomal Recessive and X-Linked Classification Criteria (2023). Collection method: clinical testing. Allele origin: unknown.
Comment: NM_000080.3(CHRNE):c.1033-2A>G is a variant in a canonical splice site classified as likely pathogenic in the context of congenital myasthenic syndrome, CHRNE-related. c.1033-2A>G has not been observed in cases with relevant disease. Relevant functional assessments of this variant are not available in the literature. c.1033-2A>G has not been observed in referenced population frequency databases. In summary, NM_000080.3(CHRNE):c.1033-2A>G is a variant in a canonical splice site in a gene where loss of function is a known mechanism of disease and is predicted to disrupt protein function. Please note: this variant was assessed in the context of healthy population screening.